The following is an entry in ClinVar:

ClinVar aggregate classification (germline): Uncertain significance (1 of 4 stars; one submission).

Submission:

Labcorp Genetics (formerly Invitae), Labcorp
Classification: Uncertain significance. Last evaluated: 2023-06-09. Review status: criteria provided, single submitter. Criteria: Invitae Variant Classification Sherloc (09022015). Collection method: clinical testing. Allele origin: germline.
Comment: In summary, the available evidence is currently insufficient to determine the role of this variant in disease. Therefore, it has been classified as a Variant of Uncertain Significance. Algorithms developed to predict the effect of sequence changes on RNA splicing suggest that this variant may disrupt the consensus splice site. Advanced modeling of protein sequence and biophysical properties (such as structural, functional, and spatial information, amino acid conservation, physicochemical variation, residue mobility, and thermodynamic stability) has been performed at Invitae for this missense variant, however the output from this modeling did not meet the statistical confidence thresholds required to predict the impact of this variant on CACNA1E protein function. This variant has not been reported in the literature in individuals affected with CACNA1E-related conditions. This variant is not present in population databases (gnomAD no frequency). This sequence change replaces arginine, which is basic and polar, with tryptophan, which is neutral and slightly polar, at codon 575 of the CACNA1E protein (p.Arg575Trp).

NM_001205293.3(CACNA1E):c.1723C>T (p.Arg575Trp)

Gene: CACNA1E (calcium voltage-gated channel subunit alpha1 E; plus strand). Cytogenetic location: 1q25.3.
Variant type: single nucleotide variant.
Coding change: c.1723C>T on transcript NM_001205293.3 (MANE Select); coding-DNA position 1723, C replaced by T.
Protein change: p.Arg575Trp; replaces arginine 575 with tryptophan.
Molecular consequence: missense variant.
Genome position (GRCh38, 1-based): chr1:181,719,835, C>T. VCF-style: chr1-181719835-C-T. GRCh37 (hg19) VCF-style: chr1-181688971-C-T.
Other names: c.1723C>T, p.Arg575Trp (NM_000721.4, NM_001205294.2); short protein forms R575W.
Identifiers: ClinVar variation 2873198 (VCV002873198.3), dbSNP rs2528542134, ClinGen allele CA343626710.